The following is an entry in ClinVar:

ClinVar aggregate classification (germline): Uncertain significance (1 of 4 stars; one submission).

Conditions:
Peroxisome biogenesis disorder 9B. Also called: PEX7-Related Refsum Disease; Refsum disease, adult, 2; PEROXISOME BIOGENESIS DISORDER, PEX7-RELATED, ATYPICAL. Identifiers: Orphanet 773, MedGen C2749346, MONDO:0013945, OMIM 614879.

Submission:

Labcorp Genetics (formerly Invitae), Labcorp
Classification: Uncertain significance for Peroxisome biogenesis disorder 9B. Last evaluated: 2020-07-02. Review status: criteria provided, single submitter. Criteria: Invitae Variant Classification Sherloc (09022015). Collection method: clinical testing. Allele origin: germline.
Comment: This variant results in a copy number gain of the genomic region encompassing the full coding sequence of the PEX7 gene. The boundaries of this event are unknown as they extend beyond the assayed region for this gene and therefore may encompass additional genes. As the precise location of this event is unknown, it may be in tandem or it may be located elsewhere in the genome. This variant has not been reported in the literature in individuals with PEX7-related conditions. In summary, the available evidence is currently insufficient to determine the role of this variant in disease. Therefore, it has been classified as a Variant of Uncertain Significance.

NC_000006.12:g.(?_136821564)_(136914934_?)dup

Gene: PEX7 (peroxisomal biogenesis factor 7; plus strand). Cytogenetic location: 6q23.3.
Variant type: Duplication.
Identifiers: ClinVar variation 832117 (VCV000832117.4).